The following is an entry in ClinVar:

NM_001943.5(DSG2):c.297T>C (p.Phe99=)

Gene: DSG2 (desmoglein 2; plus strand). Cytogenetic location: 18q12.1.
Variant type: single nucleotide variant.
Coding change: c.297T>C on transcript NM_001943.5 (MANE Select); coding-DNA position 297, T replaced by C.
Protein change: p.Phe99=; no amino-acid change (phenylalanine 99 retained).
Molecular consequence: synonymous variant.
Genome position (GRCh38, 1-based): chr18:31,520,883, T>C. VCF-style: chr18-31520883-T-C. GRCh37 (hg19) VCF-style: chr18-29100846-T-C.
Identifiers: ClinVar variation 918433 (VCV000918433.14), dbSNP rs1045965107, ClinGen allele CA297729044.
Genomic context (GRCh38, chr18:31,520,883, plus strand): 5'-AGAAAGAGGACTCAAAATTACTTACAAATACACTGGAAAAGGGATTACAGAGCCACCTTT[T>C]GGTATATTTGTCTTTAACAAAGATACTGGAGAACTGAATGTTACCAGCATTCTTGATCGA-3'
Protein context (NP_001934.2, residues 89-109): YTGKGITEPP[Phe99=]GIFVFNKDTG

ClinVar aggregate classification (germline): Benign/Likely benign. Review status: criteria provided, multiple submitters, no conflicts (2 of 4 stars). 5 submissions from 5 submitters: Benign (1); Likely benign (4). Last evaluated 2025-10-24.

Conditions:
Cardiovascular phenotype. Identifiers: MedGen CN230736.
Arrhythmogenic right ventricular cardiomyopathy (ARVD). Also called: Arrhythmogenic cardiomyopathy; Cardiomyopathy, ARVC; Arrhythmogenic right ventricular dysplasia; Arrhythmogenic Right Ventricular Cardiomyopathy (ARVC). Identifiers: Orphanet 247, MedGen C0349788, MeSH D019571, MONDO:0016587. Disease mechanism: loss of function. Inheritance: Various modes of inheritance.
Cardiomyopathy (CMYO). Also called: Cardiomyopathies. Identifiers: Orphanet 167848, MedGen C0878544, MONDO:0004994, HP:0001638. Inheritance: Various modes of inheritance.
Arrhythmogenic right ventricular dysplasia 10. Also called: Arrhythmogenic Right Ventricular Dysplasia/Cardiomyopathy10; ARRHYTHMOGENIC RIGHT VENTRICULAR DYSPLASIA, FAMILIAL, 10; Arrhythmogenic right ventricular dysplasia/cardiomyopathy, type 10. Identifiers: MedGen C1857777, MONDO:0012434, OMIM 610193.

Allele frequency attached by ClinVar (database versions not stated): gnomAD 0.00001; gnomAD exomes 0.00001; TOPMed 0.00001.
gnomAD v4.1: 11 of 1,613,794 alleles (0.00068%); highest among the groups gnomAD compares: Non-Finnish European, 0.00093%; no homozygotes.

Submissions (5):

Labcorp Genetics (formerly Invitae), Labcorp
Classification: Likely benign for Arrhythmogenic right ventricular dysplasia 10. Last evaluated: 2025-10-24. Review status: criteria provided, single submitter. Criteria: Invitae Variant Classification Sherloc (09022015). Collection method: clinical testing. Allele origin: germline.

All of Us Research Program, National Institutes of Health
Classification: Likely benign for Arrhythmogenic right ventricular cardiomyopathy. Last evaluated: 2023-12-01. Review status: criteria provided, single submitter. Criteria: ACMG Guidelines, 2015. Collection method: clinical testing. Allele origin: germline. Inheritance: Autosomal dominant inheritance. Observed: 2 variant alleles, 2 heterozygotes.
Comment: This study involves interpretation of variants in research participants for the purpose of population health screening. Participant phenotype was not available at the time of variant classification. Additional details can be found in publication PMID: 35346344, PMCID: PMC8962531

Ambry Genetics
Classification: Likely benign for Cardiovascular phenotype. Last evaluated: 2020-02-12. Review status: criteria provided, single submitter. Criteria: Ambry Variant Classification Scheme 2023. Collection method: clinical testing. Allele origin: germline.

Color Diagnostics, LLC DBA Color Health
Classification: Likely benign for Cardiomyopathy. Last evaluated: 2019-10-14. Review status: criteria provided, single submitter. Criteria: ACMG Guidelines, 2015. Collection method: clinical testing. Allele origin: germline.

GeneDx
Classification: Benign. Last evaluated: 2017-09-19. Review status: criteria provided, single submitter. Criteria: GeneDx Variant Classification Process June 2021. Collection method: clinical testing. Allele origin: germline. Affected: yes.